The following is an entry in ClinVar:

ClinVar aggregate classification (germline): Uncertain significance. Review status: criteria provided, multiple submitters, no conflicts (2 of 4 stars). 2 submissions from 2 submitters: Uncertain significance (2). Last evaluated 2025-08-27.

gnomAD v4.1: 43 of 1,572,004 alleles (0.0027%); highest among the groups gnomAD compares: South Asian, 0.044%; no homozygotes.

Submissions (2):

Mayo Clinic Laboratories, Mayo Clinic
Classification: Uncertain significance. Last evaluated: 2025-08-27. Review status: criteria provided, single submitter. Criteria: ACMG Guidelines, 2015. Collection method: clinical testing. Allele origin: germline. Observed: 1 variant allele.
Comment: BP4_moderate

Ambry Genetics
Classification: Uncertain significance. Last evaluated: 2025-06-18. Review status: criteria provided, single submitter. Criteria: Ambry Variant Classification Scheme 2023. Collection method: clinical testing. Allele origin: germline.

NM_145059.3(FCSK):c.1553C>T (p.Ala518Val)

Gene: FCSK (fucose kinase; plus strand). Cytogenetic location: 16q22.1.
Variant type: single nucleotide variant.
Coding change: c.1553C>T on transcript NM_145059.3 (MANE Select); coding-DNA position 1553, C replaced by T.
Protein change: p.Ala518Val; replaces alanine 518 with valine.
Molecular consequence: missense variant.
Genome position (GRCh38, 1-based): chr16:70,473,129, C>T. VCF-style: chr16-70473129-C-T. GRCh37 (hg19) VCF-style: chr16-70507032-C-T.
Other names: p.Ala518Val; short protein forms A518V.
Identifiers: ClinVar variation 4256642 (VCV004256642.2).
Genomic context (GRCh38, chr16:70,473,129, plus strand): 5'-GGGAGCTGGGACCCCAGGACCTGCTGTGGATGCTGGACCACCAGGAGGATGGGGGCGAGG[C>T]CCTGCGAGCCTGGCGGGCCTCCTGGCGCCTGTCCTGGGAGCAGCTGCAGCCGTGCCTGGA-3'
Protein context (NP_659496.2, residues 508-528): MLDHQEDGGE[Ala518Val]LRAWRASWRL